The following is an entry in ClinVar:

NM_001009944.3(PKD1):c.11114T>G (p.Ile3705Ser)

Genes: PKD1 (polycystin 1, transient receptor potential channel interacting; minus strand), PKD1-AS1 (PKD1 antisense RNA 1; plus strand). Cytogenetic location: 16p13.3.
Variant type: single nucleotide variant.
Coding change: c.11114T>G on transcript NM_001009944.3 (MANE Select); coding-DNA position 11114, T replaced by G.
Protein change: p.Ile3705Ser; replaces isoleucine 3705 with serine.
Molecular consequence: missense variant. On other transcripts: non-coding transcript variant (1).
Genome position (GRCh38, 1-based): chr16:2,092,996, A>C on the plus strand (T>G on the coding strand, the complement: PKD1 is on the minus strand). VCF-style: chr16-2092996-A-C. GRCh37 (hg19) VCF-style: chr16-2142997-A-C.
Other names: p.Ile3705Ser; c.11111T>G, p.Ile3704Ser (NM_000296.4); short protein forms I3704S, I3705S.
Identifiers: ClinVar variation 4540423 (VCV004540423.2).

ClinVar aggregate classification (germline): Uncertain significance. Review status: criteria provided, multiple submitters, no conflicts (2 of 4 stars). 2 submissions from 2 submitters: Uncertain significance (2). Last evaluated 2026-04-30.

Conditions:
Polycystic kidney disease, adult type (PKD1). Also called: Polycystic Kidney, Autosomal Dominant; POLYCYSTIC KIDNEY DISEASE, ADULT, TYPE I; Polycystic Kidney Disease 1, Autosomal Dominant; Polycystic kidney disease 1; Polycystic kidney disease 1, severe; POLYCYSTIC KIDNEY DISEASE 1 WITH OR WITHOUT POLYCYSTIC LIVER DISEASE. Identifiers: MedGen C3149841, MONDO:0008263, OMIM 173900.

Submissions (2):

Department of Molecular Genetics, Istishari Arab Hospital
Classification: Uncertain significance for Polycystic kidney disease, adult type. Last evaluated: 2026-04-30. Review status: criteria provided, single submitter. Criteria: ACMG Guidelines, 2015. Collection method: clinical testing. Allele origin: germline. Inheritance: Autosomal dominant inheritance. Affected: yes.
Comment: The PKD1 variant c.11114T>G, p.Ile3705Ser causes an amino acid change from Ile to Ser at position 3705 in exon(s) no. 38 (of 46). To the best of our knowledge, this variant has not been previously reported in the literature. It is classified as a variant of uncertain significance based on the implementation of the ACMG/AMP/ClinGen SVI guidelines.

MVZ Medizinische Genetik Mainz
Classification: Uncertain significance for Polycystic kidney disease, adult type. Last evaluated: 2025-12-08. Review status: criteria provided, single submitter. Criteria: UK Practice Guidelines For Variant Classification V4 01 2020. Collection method: clinical testing. Allele origin: germline. Inheritance: Autosomal dominant inheritance. Affected: yes. Observed: 1 variant allele.
Comment: ACMG Criteria: PM2_SUP,PP4